The following is an entry in ClinVar:

NM_015978.3(TNNI3K):c.182A>G (p.Asn61Ser)

Genes: FPGT-TNNI3K (FPGT-TNNI3K readthrough; plus strand), TNNI3K (TNNI3 interacting kinase; plus strand). Cytogenetic location: 1p31.1.
Variant type: single nucleotide variant.
Coding change: c.182A>G on transcript NM_015978.3 (MANE Select); coding-DNA position 182, A replaced by G.
Protein change: p.Asn61Ser; replaces asparagine 61 with serine.
Molecular consequence: missense variant.
Genome position (GRCh38, 1-based): chr1:74,249,491, A>G. VCF-style: chr1-74249491-A-G. GRCh37 (hg19) VCF-style: chr1-74715175-A-G.
Other names: c.485A>G, p.Asn162Ser (NM_001112808.3, NM_001199327.2); short protein forms N61S, N162S.
Identifiers: ClinVar variation 2044632 (VCV002044632.4), dbSNP rs749773017, ClinGen allele CA24544332.
Genomic context (GRCh38, chr1:74,249,491, plus strand): 5'-GTGATCATCTGTAACATGTTTTTTTCAGCTCTGATGAAGCCTTCAGTAAAGTCAATTTAA[A>G]TTACCGCACTGAAAATGGGCTGTCTCTACTTCATTTATGTTGCATTTGTGGAGGTGAGTA-3'
Protein context (NP_057062.1, residues 51-71): SDEAFSKVNL[Asn61Ser]YRTENGLSLL

ClinVar aggregate classification (germline): Uncertain significance (1 of 4 stars; one submission).

Allele frequency attached by ClinVar (database versions not stated): gnomAD exomes 0.00001; TOPMed 0.00001.
gnomAD v4.1: 13 of 1,613,692 alleles (0.00081%); highest among the groups gnomAD compares: Non-Finnish European, 0.0011%; no homozygotes.

Submission:

Labcorp Genetics (formerly Invitae), Labcorp
Classification: Uncertain significance. Last evaluated: 2024-04-25. Review status: criteria provided, single submitter. Criteria: Invitae Variant Classification Sherloc (09022015). Collection method: clinical testing. Allele origin: germline.
Comment: This sequence change replaces asparagine, which is neutral and polar, with serine, which is neutral and polar, at codon 61 of the TNNI3K protein (p.Asn61Ser). The frequency data for this variant in the population databases is considered unreliable, as metrics indicate poor data quality at this position in the gnomAD database. This variant has not been reported in the literature in individuals affected with TNNI3K-related conditions. ClinVar contains an entry for this variant (Variation ID: 2044632). Advanced modeling of protein sequence and biophysical properties (such as structural, functional, and spatial information, amino acid conservation, physicochemical variation, residue mobility, and thermodynamic stability) performed at Invitae indicates that this missense variant is not expected to disrupt TNNI3K protein function with a negative predictive value of 80%. In summary, the available evidence is currently insufficient to determine the role of this variant in disease. Therefore, it has been classified as a Variant of Uncertain Significance.